The following is an entry in ClinVar:

ClinVar aggregate classification (germline): Uncertain significance. Review status: criteria provided, multiple submitters, no conflicts (2 of 4 stars). 2 submissions from 2 submitters: Uncertain significance (2). Last evaluated 2024-11-12.

Conditions:
Pancreatic adenocarcinoma. Identifiers: MedGen C0281361, MONDO:0006047, HP:0006725.

Allele frequency attached by ClinVar (database versions not stated): gnomAD exomes 0.00001; ExAC 0.00002; TOPMed 0.00002; gnomAD 0.00003; ESP Exome Variant Server 0.00008.
gnomAD v4.1: 27 of 1,613,362 alleles (0.0017%); highest among the groups gnomAD compares: Non-Finnish European, 0.0023%; no homozygotes.

Submissions (2):

Labcorp Genetics (formerly Invitae), Labcorp
Classification: Uncertain significance for Pancreatic adenocarcinoma. Last evaluated: 2024-11-12. Review status: criteria provided, single submitter. Criteria: Invitae Variant Classification Sherloc (09022015). Collection method: clinical testing. Allele origin: germline.
Comment: This sequence change replaces phenylalanine, which is neutral and non-polar, with leucine, which is neutral and non-polar, at codon 426 of the PALLD protein (p.Phe426Leu). This variant is present in population databases (rs370652817, gnomAD 0.003%). This variant has not been reported in the literature in individuals affected with PALLD-related conditions. ClinVar contains an entry for this variant (Variation ID: 1023610). An algorithm developed to predict the effect of missense changes on protein structure and function (PolyPhen-2) suggests that this variant is likely to be tolerated. In summary, the available evidence is currently insufficient to determine the role of this variant in disease. Therefore, it has been classified as a Variant of Uncertain Significance.

Ambry Genetics
Classification: Uncertain significance. Last evaluated: 2023-01-29. Review status: criteria provided, single submitter. Criteria: Ambry Variant Classification Scheme 2023. Collection method: clinical testing. Allele origin: germline.
Comment: The p.F913L variant (also known as c.2739C>A), located in coding exon 15 of the PALLD gene, results from a C to A substitution at nucleotide position 2739. The phenylalanine at codon 913 is replaced by leucine, an amino acid with highly similar properties. This amino acid position is conserved. In addition, the in silico prediction for this alteration is inconclusive. Since supporting evidence is limited at this time, the clinical significance of this alteration remains unclear.

NM_001166108.2(PALLD):c.2790C>A (p.Phe930Leu)

Genes: CBR4 (carbonyl reductase 4; minus strand), PALLD (palladin, cytoskeletal associated protein; plus strand). Cytogenetic location: 4q32.3.
Variant type: single nucleotide variant.
Coding change: c.2790C>A on transcript NM_001166108.2 (MANE Select); coding-DNA position 2790, C replaced by A.
Protein change: p.Phe930Leu; replaces phenylalanine 930 with leucine.
Molecular consequence: missense variant.
Genome position (GRCh38, 1-based): chr4:168,915,967, C>A. VCF-style: chr4-168915967-C-A. GRCh37 (hg19) VCF-style: chr4-169837118-C-A.
Other names: c.1593C>A, p.Phe531Leu (NM_001166109.2); c.1278C>A, p.Phe426Leu (NM_001166110.2); c.618C>A, p.Phe206Leu (NM_001367567.1, NM_001367569.1); c.669C>A, p.Phe223Leu (NM_001367568.1, NM_001367570.1); c.2739C>A, p.Phe913Leu (NM_016081.4); c.2739C>A (NM_016081.3); short protein forms F206L, F223L, F426L, F531L, F913L, F930L.
Identifiers: ClinVar variation 1023610 (VCV001023610.8), dbSNP rs370652817, ClinGen allele CA3135958.
Genomic context (GRCh38, chr4:168,915,967, plus strand): 5'-ATCAAGGGACAGTGGAGACGAAAATGAACCAATTCAGGAGCGATTCTTCAGACCTCACTT[C>A]TTGCAGGCTCCTGGAGATCTGACTGTTCAAGAAGGAAAACTCTGCAGAATGGACTGCAAA-3'
Protein context (NP_001159580.1, residues 920-940): PIQERFFRPH[Phe930Leu]LQAPGDLTVQ